The following is an entry in ClinVar:

NM_052961.4(SLC26A8):c.1568+4C>G

Gene: SLC26A8 (solute carrier family 26 member 8; minus strand). Cytogenetic location: 6p21.31.
Variant type: single nucleotide variant.
Coding change: c.1568+4C>G on transcript NM_052961.4 (MANE Select); 4 bases into the intron after coding-DNA position 1568, C replaced by G.
Molecular consequence: intron variant.
Genome position (GRCh38, 1-based): chr6:35,960,989, G>C on the plus strand (C>G on the coding strand, the complement: SLC26A8 is on the minus strand). VCF-style: chr6-35960989-G-C. GRCh37 (hg19) VCF-style: chr6-35928766-G-C.
Other names: c.1568+4C>G (NM_001193476.2); c.1253+4C>G (NM_138718.3).
Identifiers: ClinVar variation 5007047 (VCV005007047.2).
Genomic context (GRCh38, chr6:35,960,989, plus strand): 5'-TTGCCTTTAGGTCAGAGTTGGCTTACCTTGCCTTGTTAACCTCCTATTACCTGAGACAAA[G>C]TACCTGTGTGAACGAACAGTGGTGATGAAGAAAGCAGAAACTACTGAGATAATTAGTCCA-3'

ClinVar aggregate classification (germline): Uncertain significance (1 of 4 stars; one submission).

Conditions:
Spermatogenic failure 3 (SPGF3). Identifiers: Orphanet 276234, MedGen C4721889, MONDO:0011720, OMIM 606766.

Submission:

Juno Genomics, Hangzhou Juno Genomics, Inc
Classification: Uncertain significance for Spermatogenic failure 3. Review status: criteria provided, single submitter. Criteria: ACMG Guidelines, 2015. Collection method: clinical testing. Allele origin: germline.
Comment: Absent from controls (or at extremely low frequency if recessive) in Genome Aggregation Database.;Multiple lines of computational evidence support a deleterious effect on the gene or gene product.